The following is an entry in ClinVar:

NM_001009944.3(PKD1):c.3903C>T (p.Pro1301=)

Gene: PKD1 (polycystin 1, transient receptor potential channel interacting; minus strand). Cytogenetic location: 16p13.3.
Variant type: single nucleotide variant.
Coding change: c.3903C>T on transcript NM_001009944.3 (MANE Select); coding-DNA position 3903, C replaced by T.
Protein change: p.Pro1301=; no amino-acid change (proline 1301 retained).
Molecular consequence: synonymous variant.
Genome position (GRCh38, 1-based): chr16:2,111,264, G>A on the plus strand (C>T on the coding strand, the complement: PKD1 is on the minus strand). VCF-style: chr16-2111264-G-A. GRCh37 (hg19) VCF-style: chr16-2161265-G-A.
Other names: c.3903C>T, p.Pro1301= (NM_000296.4).
Identifiers: ClinVar variation 3053503 (VCV003053503.4), dbSNP rs755858661, ClinGen allele CA7832586.

ClinVar aggregate classification (germline): Likely benign. Review status: criteria provided, multiple submitters, no conflicts (2 of 4 stars). 3 submissions from 3 submitters: Likely benign (2). 1 of the submissions does not count toward it. Last evaluated 2026-05-08.

Conditions:
PKD1-related disorder. Also called: PKD1-related condition.

Allele frequency attached by ClinVar (database versions not stated): ExAC 0.00004; gnomAD 0.00008.
gnomAD v4.1: 105 of 1,609,824 alleles (0.0065%); highest among the groups gnomAD compares: East Asian, 0.076%; no homozygotes.

Submissions (3):

Women's Health and Genetics/Laboratory Corporation of America, LabCorp
Classification: Likely benign. Last evaluated: 2026-05-08. Review status: criteria provided, single submitter. Criteria: LabCorp Variant Classification Summary - May 2015. Collection method: clinical testing. Allele origin: germline.

Blueprint Genetics
Classification: Likely benign. Last evaluated: 2024-06-28. Review status: criteria provided, single submitter. Criteria: ACMG Guidelines, 2015. Collection method: clinical testing. Allele origin: germline.

PreventionGenetics, part of Exact Sciences
Classification: Likely benign for PKD1-related condition. Last evaluated: 2019-08-22. Review status: no assertion criteria provided. Collection method: clinical testing. Allele origin: germline. Not counted in ClinVar's aggregate classification.
Comment: This variant is classified as likely benign based on ACMG/AMP sequence variant interpretation guidelines (Richards et al. 2015 PMID: 25741868, with internal and published modifications).